The following is an entry in ClinVar:

NM_018489.3(ASH1L):c.7016C>A (p.Thr2339Asn)

Gene: ASH1L (ASH1 like histone lysine methyltransferase; minus strand). Cytogenetic location: 1q22.
Variant type: single nucleotide variant.
Coding change: c.7016C>A on transcript NM_018489.3 (MANE Select); coding-DNA position 7016, C replaced by A.
Protein change: p.Thr2339Asn; replaces threonine 2339 with asparagine.
Molecular consequence: missense variant.
Genome position (GRCh38, 1-based): chr1:155,357,355, G>T on the plus strand (C>A on the coding strand, the complement: ASH1L is on the minus strand). VCF-style: chr1-155357355-G-T. GRCh37 (hg19) VCF-style: chr1-155327146-G-T.
Other names: c.7031C>A, p.Thr2344Asn (NM_001366177.2); short protein forms T2339N, T2344N.
Identifiers: ClinVar variation 2505777 (VCV002505777.1), dbSNP rs1278493438, ClinGen allele CA342749373.

ClinVar aggregate classification (germline): Uncertain significance (1 of 4 stars; one submission).

Submission:

GeneDx
Classification: Uncertain significance. Last evaluated: 2022-12-14. Review status: criteria provided, single submitter. Criteria: GeneDx Variant Classification Process June 2021. Collection method: clinical testing. Allele origin: germline. Affected: yes.
Comment: Not observed at significant frequency in large population cohorts (gnomAD); In silico analysis supports that this missense variant does not alter protein structure/function; Has not been previously published as pathogenic or benign to our knowledge